The following is an entry in ClinVar:

ClinVar aggregate classification (germline): Uncertain significance (1 of 4 stars; one submission).

Allele frequency attached by ClinVar (database versions not stated): gnomAD 0.00001; gnomAD exomes 0.00001; ExAC 0.00002.
gnomAD v4.1: 8 of 1,612,882 alleles (0.0005%); highest among the groups gnomAD compares: African/African-American, 0.0013%; no homozygotes.

Submission:

Labcorp Genetics (formerly Invitae), Labcorp
Classification: Uncertain significance. Last evaluated: 2022-04-01. Review status: criteria provided, single submitter. Criteria: Invitae Variant Classification Sherloc (09022015). Collection method: clinical testing. Allele origin: germline.
Comment: This sequence change replaces arginine, which is basic and polar, with glutamine, which is neutral and polar, at codon 569 of the DSCAML1 protein (p.Arg569Gln). The frequency data for this variant in the population databases is considered unreliable, as metrics indicate poor data quality at this position in the gnomAD database. This variant has not been reported in the literature in individuals affected with DSCAML1-related conditions. Algorithms developed to predict the effect of missense changes on protein structure and function are either unavailable or do not agree on the potential impact of this missense change (SIFT: "Deleterious"; PolyPhen-2: "Possibly Damaging"; Align-GVGD: "Class C0"). In summary, the available evidence is currently insufficient to determine the role of this variant in disease. Therefore, it has been classified as a Variant of Uncertain Significance.

NM_020693.4(DSCAML1):c.1526G>A (p.Arg509Gln)

Gene: DSCAML1 (DS cell adhesion molecule like 1; minus strand). Cytogenetic location: 11q23.3.
Variant type: single nucleotide variant.
Coding change: c.1526G>A on transcript NM_020693.4 (MANE Select); coding-DNA position 1526, G replaced by A.
Protein change: p.Arg509Gln; replaces arginine 509 with glutamine.
Molecular consequence: missense variant.
Genome position (GRCh38, 1-based): chr11:117,516,724, C>T on the plus strand (G>A on the coding strand, the complement: DSCAML1 is on the minus strand). VCF-style: chr11-117516724-C-T. GRCh37 (hg19) VCF-style: chr11-117387439-C-T.
Other names: c.1526G>A, p.Arg509Gln (NM_001367904.1); short protein forms R509Q.
Identifiers: ClinVar variation 2120635 (VCV002120635.4), dbSNP rs764173789, ClinGen allele CA6297230.